The following is an entry in ClinVar:

NM_001348323.3(TRIP12):c.1503A>G (p.Gln501=)

Gene: TRIP12 (thyroid hormone receptor interactor 12; minus strand). Cytogenetic location: 2q36.3.
Variant type: single nucleotide variant.
Coding change: c.1503A>G on transcript NM_001348323.3 (MANE Select); coding-DNA position 1503, A replaced by G.
Protein change: p.Gln501=; no amino-acid change (glutamine 501 retained).
Molecular consequence: synonymous variant.
Genome position (GRCh38, 1-based): chr2:229,818,460, T>C on the plus strand (A>G on the coding strand, the complement: TRIP12 is on the minus strand). VCF-style: chr2-229818460-T-C. GRCh37 (hg19) VCF-style: chr2-230683176-T-C.
Other names: c.1503A>G, p.Gln501= (NM_001284214.2, NM_001348315.2, NM_001348319.1 and 11 more transcripts); c.1377A>G, p.Gln459= (NM_001284215.2, NM_001348316.2, NM_001348317.1 and 2 more transcripts); c.468A>G, p.Gln156= (NM_001284216.2); c.1416A>G, p.Gln472= (NM_001348332.1); c.1359A>G, p.Gln453= (NM_004238.3).
Identifiers: ClinVar variation 3771003 (VCV003771003.13).

ClinVar aggregate classification (germline): Likely benign (1 of 4 stars; one submission).

gnomAD v4.1: 14 of 1,614,182 alleles (0.00087%); highest among the groups gnomAD compares: Middle Eastern, 0.099%; no homozygotes.

Submission:

CeGaT Center for Human Genetics Tuebingen
Classification: Likely benign. Last evaluated: 2025-02-01. Review status: criteria provided, single submitter. Criteria: CeGaT Center For Human Genetics Tuebingen Variant Classification Criteria Version 2. Collection method: clinical testing. Allele origin: germline. Affected: yes. Observed: 1 variant allele.
Comment: TRIP12: BP4, BP7